The following is an entry in ClinVar:

NM_199420.4(POLQ):c.3299A>G (p.Asn1100Ser)

Gene: POLQ (DNA polymerase theta; minus strand). Cytogenetic location: 3q13.33.
Variant type: single nucleotide variant.
Coding change: c.3299A>G on transcript NM_199420.4 (MANE Select); coding-DNA position 3299, A replaced by G.
Protein change: p.Asn1100Ser; replaces asparagine 1100 with serine.
Molecular consequence: missense variant.
Genome position (GRCh38, 1-based): chr3:121,489,632, T>C on the plus strand (A>G on the coding strand, the complement: POLQ is on the minus strand). VCF-style: chr3-121489632-T-C. GRCh37 (hg19) VCF-style: chr3-121208479-T-C.
Other names: short protein forms N1100S.
Identifiers: ClinVar variation 2561745 (VCV002561745.2), dbSNP rs2048047696, ClinGen allele CA354100787.

ClinVar aggregate classification (germline): Uncertain significance (1 of 4 stars; one submission).

Allele frequency attached by ClinVar (database versions not stated): gnomAD exomes below 0.00001.
gnomAD v4.1: 1 of 1,613,916 alleles (0.000062%); highest among the groups gnomAD compares: East Asian, 0.0022%; no homozygotes.

Submission:

Ambry Genetics
Classification: Uncertain significance. Last evaluated: 2023-04-30. Review status: criteria provided, single submitter. Criteria: Ambry Variant Classification Scheme 2023. Collection method: clinical testing. Allele origin: germline.
Comment: The p.N1100S variant (also known as c.3299A>G), located in coding exon 16 of the POLQ gene, results from an A to G substitution at nucleotide position 3299. The asparagine at codon 1100 is replaced by serine, an amino acid with highly similar properties. This amino acid position is conserved. In addition, this alteration is predicted to be tolerated by in silico analysis. Since supporting evidence is limited at this time, the clinical significance of this alteration remains unclear.